The following is an entry in ClinVar:

NM_001164688.2(RD3):c.259A>G (p.Lys87Glu)

Gene: RD3 (RD3 regulator of GUCY2D; minus strand). Cytogenetic location: 1q32.3.
Variant type: single nucleotide variant.
Coding change: c.259A>G on transcript NM_001164688.2 (MANE Select); coding-DNA position 259, A replaced by G.
Protein change: p.Lys87Glu; replaces lysine 87 with glutamic acid.
Molecular consequence: missense variant.
Genome position (GRCh38, 1-based): chr1:211,481,157, T>C on the plus strand (A>G on the coding strand, the complement: RD3 is on the minus strand). VCF-style: chr1-211481157-T-C. GRCh37 (hg19) VCF-style: chr1-211654499-T-C.
Other names: c.259A>G, p.Lys87Glu (NM_183059.3); short protein forms K87E.
Identifiers: ClinVar variation 295257 (VCV000295257.13), dbSNP rs200585050, ClinGen allele CA1381114.

ClinVar aggregate classification (germline): Uncertain significance. Review status: criteria provided, multiple submitters, no conflicts (2 of 4 stars). 6 submissions from 6 submitters: Uncertain significance (6). Last evaluated 2026-07-24.

Conditions:
RD3-related disorder. Also called: RD3-related condition.
Leber congenital amaurosis 12 (LCA12). Identifiers: Orphanet 65, MedGen C1857743, MONDO:0012525, OMIM 610612.

Allele frequency attached by ClinVar (database versions not stated): ESP Exome Variant Server 0.00031; gnomAD exomes 0.00031 and 0.00054; ExAC 0.00033; TOPMed 0.00036; gnomAD 0.00040.

Submissions (6):

PreventionGenetics, part of Exact Sciences
Classification: Uncertain significance for RD3-related condition. Last evaluated: 2026-07-24. Review status: criteria provided, single submitter. Criteria: ACMG Guidelines, 2015. Collection method: clinical testing. Allele origin: germline.
Comment: The RD3 c.259A>G variant is predicted to result in the amino acid substitution p.Lys87Glu. This variant was reported in the homozygous state in an individual with retinitis pigmentosa (de Castro-Miró et al. 2014. PubMed ID: 24516651). This variant is reported in 0.058% of alleles in individuals of European (Non-Finnish) descent in gnomAD. At this time, the clinical significance of this variant is uncertain due to the absence of conclusive functional and genetic evidence.

Blueprint Genetics
Classification: Uncertain significance. Last evaluated: 2024-11-26. Review status: criteria provided, single submitter. Criteria: ACMG Guidelines, 2015. Collection method: clinical testing. Allele origin: germline.

Women's Health and Genetics/Laboratory Corporation of America, LabCorp
Classification: Uncertain significance. Last evaluated: 2024-03-25. Review status: criteria provided, single submitter. Criteria: LabCorp Variant Classification Summary - May 2015. Collection method: clinical testing. Allele origin: germline.
Comment: Variant summary: RD3 c.259A>G (p.Lys87Glu) results in a conservative amino acid change in the encoded protein sequence. Three of five in-silico tools predict a damaging effect of the variant on protein function. The variant allele was found at a frequency of 0.00031 in 250892 control chromosomes, predominantly at a frequency of 0.00053 within the Non-Finnish European subpopulation in the gnomAD database. The observed variant frequency within Non-Finnish European control individuals in the gnomAD database is above the estimated maximal expected allele frequency for a pathogenic variant in RD3 causing Leber Congenital Amaurosis phenotype (0.0005), strongly suggesting that the variant is a benign polymorphism found primarily in populations of Non-Finnish European origin. c.259A>G has been reported in the literature in multiple individuals affected with Leber Congenital Amaurosis (de Castro_2014). To our knowledge, no experimental evidence demonstrating an impact on protein function has been reported. The following publication have been ascertained in the context of this evaluation (PMID: 24516651). ClinVar contains an entry for this variant (Variation ID: 295257). Based on the evidence outlined above, the variant was classified as uncertain significance.

Labcorp Genetics (formerly Invitae), Labcorp
Classification: Uncertain significance for Leber congenital amaurosis 12. Last evaluated: 2022-10-25. Review status: criteria provided, single submitter. Criteria: Invitae Variant Classification Sherloc (09022015). Collection method: clinical testing. Allele origin: germline.
Comment: This sequence change replaces lysine, which is basic and polar, with glutamic acid, which is acidic and polar, at codon 87 of the RD3 protein (p.Lys87Glu). This variant is present in population databases (rs200585050, gnomAD 0.06%), including at least one homozygous and/or hemizygous individual. This missense change has been observed in individual(s) with inherited retinal dystrophy (PMID: 24516651). ClinVar contains an entry for this variant (Variation ID: 295257). Algorithms developed to predict the effect of missense changes on protein structure and function (SIFT, PolyPhen-2, Align-GVGD) all suggest that this variant is likely to be disruptive. In summary, the available evidence is currently insufficient to determine the role of this variant in disease. Therefore, it has been classified as a Variant of Uncertain Significance.

Illumina Laboratory Services, Illumina
Classification: Uncertain significance for Leber congenital amaurosis 12. Last evaluated: 2018-01-12. Review status: criteria provided, single submitter. Criteria: ICSL Variant Classification Criteria 13 December 2019. Collection method: clinical testing. Allele origin: germline.

Center for Pediatric Genomic Medicine, Children's Mercy Hospital and Clinics
Classification: Uncertain significance. Last evaluated: 2017-04-26. Review status: criteria provided, single submitter. Criteria: ACMG Guidelines, 2015. Collection method: clinical testing. Allele origin: germline.

Literature cited by the submitters: PubMed 24516651 (cited by Women's Health and Genetics/Laboratory Corporation of America, LabCorp and Labcorp Genetics (formerly Invitae), Labcorp).